The following is an entry in ClinVar:

NM_003002.4(SDHD):c.436G>A (p.Asp146Asn)

Gene: SDHD (succinate dehydrogenase complex subunit D; plus strand). Cytogenetic location: 11q23.1.
Variant type: single nucleotide variant.
Coding change: c.436G>A on transcript NM_003002.4 (MANE Select); coding-DNA position 436, G replaced by A.
Protein change: p.Asp146Asn; replaces aspartic acid 146 with asparagine.
Molecular consequence: missense variant. On other transcripts: 3 prime UTR variant (2), non-coding transcript variant (1).
Genome position (GRCh38, 1-based): chr11:112,094,926, G>A. VCF-style: chr11-112094926-G-A. GRCh37 (hg19) VCF-style: chr11-111965650-G-A.
Other names: c.*33G>A (NM_001276503.2); c.319G>A, p.Asp107Asn (NM_001276504.2); c.*134G>A (NM_001276506.2); c.436G>A (NM_003002.2); short protein forms D146N, D107N.
Identifiers: ClinVar variation 654823 (VCV000654823.9), dbSNP rs1592786384, ClinGen allele CA382619406.
Genomic context (GRCh38, chr11:112,094,926, plus strand): 5'-GCAGGGCTTTTGGCACTTTCAGCTTTAACCTTTGCTGGGCTTTGCTATTTCAACTATCAC[G>A]ATGTGGGCATCTGCAAAGCTGTTGCCATGCTGTGGAAGCTCTGACCTTTTTGACTTCATA-3'
Protein context (NP_002993.1, residues 136-156): FAGLCYFNYH[Asp146Asn]VGICKAVAML

ClinVar aggregate classification (germline): Uncertain significance. Review status: criteria provided, multiple submitters, no conflicts (2 of 4 stars). 3 submissions from 3 submitters: Uncertain significance (3). Last evaluated 2025-08-07.

Conditions:
Carney-Stratakis syndrome. Also called: PARAGANGLIOMA AND GASTROINTESTINAL STROMAL TUMOR. Identifiers: Orphanet 97286, MedGen C1847319, MONDO:0011740, OMIM 606864.
Pheochromocytoma. Also called: MAX-Related Hereditary Paraganglioma-Pheochromocytoma Syndrome. Identifiers: Orphanet 29072, MedGen C0031511, MONDO:0008233, OMIM 171300, HP:0002666.
Paragangliomas with sensorineural hearing loss. Identifiers: MedGen C1868633.
Cowden syndrome 3 (CWS3). Identifiers: Orphanet 201, MedGen CN166604, MONDO:0014045.
Mitochondrial complex 2 deficiency, nuclear type 3. Also called: MITOCHONDRIAL COMPLEX II DEFICIENCY, NUCLEAR TYPE 3. Identifiers: MedGen C5436934, MONDO:0030937, OMIM 619167.
Hereditary cancer-predisposing syndrome. Also called: Hereditary neoplastic syndrome; Tumor predisposition; Neoplastic Syndromes, Hereditary; Hereditary Cancer Syndrome. Identifiers: Orphanet 140162, MedGen C0027672, MeSH D009386, MONDO:0015356.

Allele frequency attached by ClinVar (database versions not stated): gnomAD exomes below 0.00001.

Submissions (3):

Labcorp Genetics (formerly Invitae), Labcorp
Classification: Uncertain significance for Carney-Stratakis syndrome; Paragangliomas with sensorineural hearing loss; Pheochromocytoma; Cowden syndrome 3. Last evaluated: 2025-08-07. Review status: criteria provided, single submitter. Criteria: Invitae Variant Classification Sherloc (09022015). Collection method: clinical testing. Allele origin: germline.
Comment: This sequence change replaces aspartic acid, which is acidic and polar, with asparagine, which is neutral and polar, at codon 146 of the SDHD protein (p.Asp146Asn). This variant is not present in population databases (gnomAD no frequency). This variant has not been reported in the literature in individuals affected with SDHD-related conditions. ClinVar contains an entry for this variant (Variation ID: 654823). Invitae Evidence Modeling of protein sequence and biophysical properties (such as structural, functional, and spatial information, amino acid conservation, physicochemical variation, residue mobility, and thermodynamic stability) has been performed for this missense variant. However, the output from this modeling did not meet the statistical confidence thresholds required to predict the impact of this variant on SDHD protein function. In summary, the available evidence is currently insufficient to determine the role of this variant in disease. Therefore, it has been classified as a Variant of Uncertain Significance.

Ambry Genetics
Classification: Uncertain significance for Hereditary cancer-predisposing syndrome. Last evaluated: 2025-07-17. Review status: criteria provided, single submitter. Criteria: Ambry Variant Classification Scheme 2023. Collection method: clinical testing. Allele origin: germline.
Comment: The p.D146N variant (also known as c.436G>A), located in coding exon 4 of the SDHD gene, results from a G to A substitution at nucleotide position 436. The aspartic acid at codon 146 is replaced by asparagine, an amino acid with highly similar properties. This amino acid position is highly conserved in available vertebrate species. In addition, this alteration is predicted to be deleterious by in silico analysis. Based on the available evidence, the clinical significance of this variant remains unclear.

Baylor Genetics
Classification: Uncertain significance for Mitochondrial complex 2 deficiency, nuclear type 3. Last evaluated: 2024-03-18. Review status: criteria provided, single submitter. Criteria: ACMG Guidelines, 2015. Collection method: clinical testing. Allele origin: unknown.